The following is an entry in ClinVar:

ClinVar aggregate classification (germline): Uncertain significance. Review status: criteria provided, multiple submitters, no conflicts (2 of 4 stars). 2 submissions from 2 submitters: Uncertain significance (2). Last evaluated 2025-09-05.

Conditions:
RYR1-related disorder. Also called: RYR1-related disorders; RYR1-related condition. Identifiers: MedGen CN239331.
Malignant hyperthermia, susceptibility to, 1 (MHS1). Also called: RYR1-Related Malignant Hyperthermia Susceptibility; Malignant hyperthermia suceptibility 1; Anesthesia related hyperthermia; Malignant hyperpyrexia; Fulminating hyperpyrexia; Pharmacogenic myopathy. Identifiers: Orphanet 423, MedGen C2930980, MONDO:0007783, OMIM 145600.

Allele frequency attached by ClinVar (database versions not stated): gnomAD exomes 0.00001.

Submissions (2):

Color Diagnostics, LLC DBA Color Health
Classification: Uncertain significance for Malignant hyperthermia, susceptibility to, 1. Last evaluated: 2025-09-05. Review status: criteria provided, single submitter. Criteria: ACMG Guidelines, 2015. Collection method: clinical testing. Allele origin: germline.
Comment: This missense variant replaces lysine with arginine at codon 956 of the RYR1 protein. Computational prediction is inconclusive regarding the impact of this variant on protein structure and function. To our knowledge, functional studies have not been reported for this variant. This variant has not been reported in individuals affected with RYR1-related disorders in the literature. This variant has been identified in 1/195832 chromosomes in the general population by the Genome Aggregation Database (gnomAD). The available evidence is insufficient to determine the role of this variant in disease conclusively. Therefore, this variant is classified as a Variant of Uncertain Significance.

Labcorp Genetics (formerly Invitae), Labcorp
Classification: Uncertain significance for RYR1-related disorder. Last evaluated: 2021-10-03. Review status: criteria provided, single submitter. Criteria: Invitae Variant Classification Sherloc (09022015). Collection method: clinical testing. Allele origin: germline.
Comment: In summary, the available evidence is currently insufficient to determine the role of this variant in disease. Therefore, it has been classified as a Variant of Uncertain Significance. Advanced modeling of protein sequence and biophysical properties (such as structural, functional, and spatial information, amino acid conservation, physicochemical variation, residue mobility, and thermodynamic stability) performed at Invitae indicates that this missense variant is not expected to disrupt RYR1 protein function. This variant has not been reported in the literature in individuals affected with RYR1-related conditions. This variant is not present in population databases (ExAC no frequency). This sequence change replaces lysine with arginine at codon 956 of the RYR1 protein (p.Lys956Arg). The lysine residue is highly conserved and there is a small physicochemical difference between lysine and arginine.

NM_000540.3(RYR1):c.2867A>G (p.Lys956Arg)

Gene: RYR1 (ryanodine receptor 1; plus strand). Cytogenetic location: 19q13.2.
Variant type: single nucleotide variant.
Coding change: c.2867A>G on transcript NM_000540.3 (MANE Select); coding-DNA position 2867, A replaced by G.
Protein change: p.Lys956Arg; replaces lysine 956 with arginine.
Molecular consequence: missense variant.
Genome position (GRCh38, 1-based): chr19:38,464,719, A>G. VCF-style: chr19-38464719-A-G. GRCh37 (hg19) VCF-style: chr19-38955359-A-G.
Other names: c.2867A>G, p.Lys956Arg (NM_001042723.2); short protein forms K956R.
Identifiers: ClinVar variation 1388752 (VCV001388752.6), dbSNP rs1410667812, ClinGen allele CA405633839.